The following is an entry in ClinVar:

ClinVar aggregate classification (germline): Uncertain significance (1 of 4 stars; one submission).

Conditions:
Familial temporal lobe epilepsy 7. Identifiers: Orphanet 101046, MedGen C4225327, MONDO:0014639, OMIM 616436.
Norman-Roberts syndrome (LIS2). Also called: Lissencephaly 2 (Norman-Roberts type). Identifiers: Orphanet 89844, MedGen C0796089, MONDO:0009760, OMIM 257320.

Allele frequency attached by ClinVar (database versions not stated): gnomAD exomes below 0.00001.
gnomAD v4.1: 4 of 1,613,940 alleles (0.00025%); highest among the groups gnomAD compares: African/African-American, 0.0013%; no homozygotes.

Submission:

Labcorp Genetics (formerly Invitae), Labcorp
Classification: Uncertain significance for Familial temporal lobe epilepsy 7; Norman-Roberts syndrome. Last evaluated: 2024-07-29. Review status: criteria provided, single submitter. Criteria: Invitae Variant Classification Sherloc (09022015). Collection method: clinical testing. Allele origin: germline.
Comment: This sequence change replaces histidine, which is basic and polar, with arginine, which is basic and polar, at codon 1040 of the RELN protein (p.His1040Arg). This variant is not present in population databases (gnomAD no frequency). This variant has not been reported in the literature in individuals affected with RELN-related conditions. ClinVar contains an entry for this variant (Variation ID: 1974823). Advanced modeling of protein sequence and biophysical properties (such as structural, functional, and spatial information, amino acid conservation, physicochemical variation, residue mobility, and thermodynamic stability) performed at Invitae indicates that this missense variant is not expected to disrupt RELN protein function with a negative predictive value of 80%. In summary, the available evidence is currently insufficient to determine the role of this variant in disease. Therefore, it has been classified as a Variant of Uncertain Significance.

NM_005045.4(RELN):c.3119A>G (p.His1040Arg)

Gene: RELN (reelin; minus strand). Cytogenetic location: 7q22.1.
Variant type: single nucleotide variant.
Coding change: c.3119A>G on transcript NM_005045.4 (MANE Select); coding-DNA position 3119, A replaced by G.
Protein change: p.His1040Arg; replaces histidine 1040 with arginine.
Molecular consequence: missense variant.
Genome position (GRCh38, 1-based): chr7:103,604,373, T>C on the plus strand (A>G on the coding strand, the complement: RELN is on the minus strand). VCF-style: chr7-103604373-T-C. GRCh37 (hg19) VCF-style: chr7-103244820-T-C.
Other names: c.3119A>G, p.His1040Arg (NM_173054.3); short protein forms H1040R.
Identifiers: ClinVar variation 1974823 (VCV001974823.5), dbSNP rs1831762405, ClinGen allele CA368763683.